The following is an entry in ClinVar:

NM_001378615.1(CC2D2A):c.596T>C (p.Phe199Ser)

Genes: CC2D2A (coiled-coil and C2 domain containing 2A; plus strand), FBXL5 (F-box and leucine rich repeat protein 5; minus strand). Cytogenetic location: 4p15.32.
Variant type: single nucleotide variant.
Coding change: c.596T>C on transcript NM_001378615.1 (MANE Select); coding-DNA position 596, T replaced by C.
Protein change: p.Phe199Ser; replaces phenylalanine 199 with serine.
Molecular consequence: missense variant.
Genome position (GRCh38, 1-based): chr4:15,511,302, T>C. VCF-style: chr4-15511302-T-C. GRCh37 (hg19) VCF-style: chr4-15512925-T-C.
Other names: c.596T>C, p.Phe199Ser (NM_001080522.2); c.449T>C, p.Phe150Ser (NM_001378617.1); short protein forms F150S, F199S.
Identifiers: ClinVar variation 2085999 (VCV002085999.2), dbSNP rs1326820815, ClinGen allele CA356408835.

ClinVar aggregate classification (germline): Uncertain significance. Review status: criteria provided, multiple submitters, no conflicts (2 of 4 stars). 2 submissions from 2 submitters: Uncertain significance (2). Last evaluated 2025-06-12.

Conditions:
Joubert syndrome. Also called: JOUBERT-BOLTSHAUSER SYNDROME; Familial aplasia of the vermis. Identifiers: Orphanet 475, MedGen C5979921, MONDO:0018772.
Meckel-Gruber syndrome. Also called: DYSENCEPHALIA SPLANCHNOCYSTICA; GRUBER SYNDROME; Dysencephalia splachnocystica. Identifiers: Orphanet 564, MedGen C0265215, MONDO:0018921.
Inborn genetic diseases. Identifiers: MedGen C0950123, MeSH D030342.

Allele frequency attached by ClinVar (database versions not stated): gnomAD 0.00001; gnomAD exomes 0.00001; TOPMed 0.00002.
gnomAD v4.1: 6 of 1,601,522 alleles (0.00037%); highest among the groups gnomAD compares: Admixed American, 0.0069%; no homozygotes.

Submissions (2):

Ambry Genetics
Classification: Uncertain significance for Inborn genetic diseases. Last evaluated: 2025-06-12. Review status: criteria provided, single submitter. Criteria: Ambry Variant Classification Scheme 2023. Collection method: clinical testing. Allele origin: germline.

Labcorp Genetics (formerly Invitae), Labcorp
Classification: Uncertain significance for Joubert syndrome; Meckel-Gruber syndrome. Last evaluated: 2022-08-09. Review status: criteria provided, single submitter. Criteria: Invitae Variant Classification Sherloc (09022015). Collection method: clinical testing. Allele origin: germline.
Comment: This sequence change replaces phenylalanine, which is neutral and non-polar, with serine, which is neutral and polar, at codon 199 of the CC2D2A protein (p.Phe199Ser). This variant is present in population databases (no rsID available, gnomAD no frequency). This variant has not been reported in the literature in individuals affected with CC2D2A-related conditions. Algorithms developed to predict the effect of missense changes on protein structure and function are either unavailable or do not agree on the potential impact of this missense change (SIFT: "Deleterious"; PolyPhen-2: "Probably Damaging"; Align-GVGD: "Class C0"). In summary, the available evidence is currently insufficient to determine the role of this variant in disease. Therefore, it has been classified as a Variant of Uncertain Significance.